The following is an entry in ClinVar:

ClinVar aggregate classification (germline): Uncertain significance (1 of 4 stars; one submission).

Submission:

Labcorp Genetics (formerly Invitae), Labcorp
Classification: Uncertain significance. Last evaluated: 2022-02-04. Review status: criteria provided, single submitter. Criteria: Invitae Variant Classification Sherloc (09022015). Collection method: clinical testing. Allele origin: germline.
Comment: In summary, the available evidence is currently insufficient to determine the role of this variant in disease. Therefore, it has been classified as a Variant of Uncertain Significance. Experimental studies and prediction algorithms are not available or were not evaluated, and the functional significance of this variant is currently unknown. This variant has not been reported in the literature in individuals affected with PCLO-related conditions. This variant is present in population databases (no rsID available, gnomAD no frequency). This variant, c.3446_3448del, results in the deletion of 1 amino acid(s) of the PCLO protein (p.Ala1149del), but otherwise preserves the integrity of the reading frame.

NM_033026.6(PCLO):c.3443CAG[1] (p.Ala1149del)

Gene: PCLO (piccolo presynaptic cytomatrix protein; minus strand). Cytogenetic location: 7q21.11.
Variant type: Microsatellite.
Coding change: c.3443CAG[1] on transcript NM_033026.6 (MANE Select); one copy of the 3-base unit CAG starting at c.3443; the reference has two copies in a row; one copy, 3 bases deleted.
Protein change: p.Ala1149del; deletes alanine 1149.
Molecular consequence: inframe deletion.
Genome position (GRCh38, 1-based): chr7:82,966,340-82,966,342, CTG deleted on the plus strand (CAG on the coding strand, the reverse complement: PCLO is on the minus strand); deleting any 3 consecutive bases within chr7:82,966,340-82,966,345 gives the same sequence; the position shown is the placement nearest the transcript's 3' end. VCF-style (leftmost placement, unchanged base first): chr7-82966339-ACTG-A. GRCh37 (hg19) VCF-style: chr7-82595655-ACTG-A.
Other names: c.3443CAG[1], p.Ala1149del (NM_014510.3); short protein forms A1149del.
Identifiers: ClinVar variation 1523699 (VCV001523699.8), dbSNP rs1386172731, ClinGen allele CA576266822.